The following is an entry in ClinVar:

ClinVar aggregate classification (germline): Uncertain significance (1 of 4 stars; one submission).

Conditions:
Congenital myasthenic syndrome 4A. Also called: Myasthenic syndrome, congenital, 4a, slow-channel; CONGENITAL MYASTHENIC SYNDROME TYPE Ia1; MYASTHENIC SYNDROME, CONGENITAL, 4A, SLOW-CHANNEL, AUTOSOMAL RECESSIVE. Identifiers: Orphanet 590, MedGen C4225413, MONDO:0011600, OMIM 605809.

Submission:

Labcorp Genetics (formerly Invitae), Labcorp
Classification: Uncertain significance for Congenital myasthenic syndrome 4A. Last evaluated: 2024-10-17. Review status: criteria provided, single submitter. Criteria: Invitae Variant Classification Sherloc (09022015). Collection method: clinical testing. Allele origin: germline.
Comment: This sequence change replaces serine, which is neutral and polar, with leucine, which is neutral and non-polar, at codon 374 of the CHRNE protein (p.Ser374Leu). This variant is not present in population databases (gnomAD no frequency). This variant has not been reported in the literature in individuals affected with CHRNE-related conditions. Invitae Evidence Modeling of protein sequence and biophysical properties (such as structural, functional, and spatial information, amino acid conservation, physicochemical variation, residue mobility, and thermodynamic stability) indicates that this missense variant is not expected to disrupt CHRNE protein function with a negative predictive value of 95%. In summary, the available evidence is currently insufficient to determine the role of this variant in disease. Therefore, it has been classified as a Variant of Uncertain Significance.

NM_000080.4(CHRNE):c.1121C>T (p.Ser374Leu)

Gene: CHRNE (cholinergic receptor nicotinic epsilon subunit; minus strand). Cytogenetic location: 17p13.2.
Variant type: single nucleotide variant.
Coding change: c.1121C>T on transcript NM_000080.4 (MANE Select); coding-DNA position 1121, C replaced by T.
Protein change: p.Ser374Leu; replaces serine 374 with leucine.
Molecular consequence: missense variant.
Genome position (GRCh38, 1-based): chr17:4,899,296, G>A on the plus strand (C>T on the coding strand, the complement: CHRNE is on the minus strand). VCF-style: chr17-4899296-G-A. GRCh37 (hg19) VCF-style: chr17-4802591-G-A.
Other names: short protein forms S374L.
Identifiers: ClinVar variation 3707506 (VCV003707506.2).